The following is an entry in ClinVar:

NM_020361.5(CPA6):c.1087G>A (p.Gly363Arg)

Genes: ARFGEF1-DT (ARFGEF1 divergent transcript; plus strand), CPA6 (carboxypeptidase A6; minus strand). Cytogenetic location: 8q13.2.
Variant type: single nucleotide variant.
Coding change: c.1087G>A on transcript NM_020361.5 (MANE Select); coding-DNA position 1087, G replaced by A.
Protein change: p.Gly363Arg; replaces glycine 363 with arginine.
Molecular consequence: missense variant.
Genome position (GRCh38, 1-based): chr8:67,428,086, C>T on the plus strand (G>A on the coding strand, the complement: CPA6 is on the minus strand). VCF-style: chr8-67428086-C-T. GRCh37 (hg19) VCF-style: chr8-68340321-C-T.
Other names: short protein forms G363R.
Identifiers: ClinVar variation 472759 (VCV000472759.10), dbSNP rs368528528, ClinGen allele CA4772717.

ClinVar aggregate classification (germline): Uncertain significance (1 of 4 stars; one submission).

Conditions:
Febrile seizures, familial, 11 (FEB11). Also called: CONVULSIONS, FAMILIAL FEBRILE, 11. Identifiers: MedGen C3280734, MONDO:0024566, OMIM 614418.

Allele frequency attached by ClinVar (database versions not stated): ESP Exome Variant Server 0.00015; ExAC 0.00007; gnomAD exomes 0.00005 and 0.00006; TOPMed 0.00005; gnomAD 0.00015.
gnomAD v4.1: 90 of 1,613,220 alleles (0.0056%); highest among the groups gnomAD compares: South Asian, 0.0099%; 1 homozygote.

Submission:

Labcorp Genetics (formerly Invitae), Labcorp
Classification: Uncertain significance for Febrile seizures, familial, 11. Last evaluated: 2022-09-01. Review status: criteria provided, single submitter. Criteria: Invitae Variant Classification Sherloc (09022015). Collection method: clinical testing. Allele origin: germline.
Comment: This variant is present in population databases (rs368528528, gnomAD 0.02%). This sequence change replaces glycine, which is neutral and non-polar, with arginine, which is basic and polar, at codon 363 of the CPA6 protein (p.Gly363Arg). In summary, the available evidence is currently insufficient to determine the role of this variant in disease. Therefore, it has been classified as a Variant of Uncertain Significance. Algorithms developed to predict the effect of missense changes on protein structure and function are either unavailable or do not agree on the potential impact of this missense change (SIFT: "Deleterious"; PolyPhen-2: "Probably Damaging"; Align-GVGD: "Class C0"). ClinVar contains an entry for this variant (Variation ID: 472759). This variant has not been reported in the literature in individuals affected with CPA6-related conditions.